The following is an entry in ClinVar:

ClinVar aggregate classification (germline): Uncertain significance (1 of 4 stars; one submission).

Allele frequency attached by ClinVar (database versions not stated): gnomAD exomes 0.00001; TOPMed 0.00001; ESP Exome Variant Server 0.00008.
gnomAD v4.1: 10 of 1,614,090 alleles (0.00062%); highest among the groups gnomAD compares: African/African-American, 0.0013%; no homozygotes.

Submission:

Labcorp Genetics (formerly Invitae), Labcorp
Classification: Uncertain significance. Last evaluated: 2025-12-06. Review status: criteria provided, single submitter. Criteria: Invitae Variant Classification Sherloc (09022015). Collection method: clinical testing. Allele origin: germline.
Comment: This sequence change replaces glutamine, which is neutral and polar, with arginine, which is basic and polar, at codon 644 of the JAK1 protein (p.Gln644Arg). This variant is present in population databases (rs374267637, gnomAD 0.007%). This variant has not been reported in the literature in individuals affected with JAK1-related conditions. ClinVar contains an entry for this variant (Variation ID: 2415522). Invitae Evidence Modeling of protein sequence and biophysical properties (such as structural, functional, and spatial information, amino acid conservation, physicochemical variation, residue mobility, and thermodynamic stability) indicates that this missense variant is not expected to disrupt JAK1 protein function with a negative predictive value of 80%. In summary, the available evidence is currently insufficient to determine the role of this variant in disease. Therefore, it has been classified as a Variant of Uncertain Significance.

NM_002227.4(JAK1):c.1931A>G (p.Gln644Arg)

Genes: JAK1 (Janus kinase 1; minus strand), LOC126805749 (BRD4-independent group 4 enhancer GRCh37_chr1:65312286-65313485; plus strand). Cytogenetic location: 1p31.3.
Variant type: single nucleotide variant.
Coding change: c.1931A>G on transcript NM_002227.4 (MANE Select); coding-DNA position 1931, A replaced by G.
Protein change: p.Gln644Arg; replaces glutamine 644 with arginine.
Molecular consequence: missense variant.
Genome position (GRCh38, 1-based): chr1:64,846,705, T>C on the plus strand (A>G on the coding strand, the complement: JAK1 is on the minus strand). VCF-style: chr1-64846705-T-C. GRCh37 (hg19) VCF-style: chr1-65312388-T-C.
Other names: c.1931A>G, p.Gln644Arg (NM_001320923.2, NM_001321852.2, NM_001321853.2 and 3 more transcripts); c.1928A>G, p.Gln643Arg (NM_001321857.2); short protein forms Q643R, Q644R.
Identifiers: ClinVar variation 2415522 (VCV002415522.7), dbSNP rs374267637, ClinGen allele CA23904107.
Genomic context (GRCh38, chr1:64,846,705, plus strand): 5'-TTACTCTCCACGTCGCGGACACAGACGCCATAGAGGTACACGATGTGTTTGTGGGAGACC[T>C]GTCTCATCATGCTGGCTGCCTCGAAGAAGGCCTGTGGGCGAGCAGGACATAGGAATGTCT-3'
Protein context (NP_002218.2, residues 634-654): AFFEAASMMR[Gln644Arg]VSHKHIVYLY